The following is an entry in ClinVar:

NM_001089.3(ABCA3):c.767T>A (p.Leu256His)

Gene: ABCA3 (ATP binding cassette subfamily A member 3; minus strand). Cytogenetic location: 16p13.3.
Variant type: single nucleotide variant.
Coding change: c.767T>A on transcript NM_001089.3 (MANE Select); coding-DNA position 767, T replaced by A.
Protein change: p.Leu256His; replaces leucine 256 with histidine.
Molecular consequence: missense variant.
Genome position (GRCh38, 1-based): chr16:2,319,687, A>T on the plus strand (T>A on the coding strand, the complement: ABCA3 is on the minus strand). VCF-style: chr16-2319687-A-T. GRCh37 (hg19) VCF-style: chr16-2369688-A-T.
Other names: short protein forms L256H.
Identifiers: ClinVar variation 4263586 (VCV004263586.2).

ClinVar aggregate classification (germline): Uncertain significance (1 of 4 stars; one submission).

Conditions:
Hereditary pulmonary alveolar proteinosis. Also called: Pulmonary surfactant metabolism dysfunction. Identifiers: Orphanet 264675, MedGen C3711368, MONDO:0012580.

gnomAD v4.1: 63 of 1,613,746 alleles (0.0039%); highest among the groups gnomAD compares: Non-Finnish European, 0.0053%; no homozygotes.

Submission:

Ambry Genetics
Classification: Uncertain significance for Hereditary pulmonary alveolar proteinosis. Last evaluated: 2025-10-29. Review status: criteria provided, single submitter. Criteria: Ambry Variant Classification Scheme 2023. Collection method: clinical testing. Allele origin: germline.
Comment: The p.L256H variant (also known as c.767T>A), located in coding exon 5 of the ABCA3 gene, results from a T to A substitution at nucleotide position 767. The leucine at codon 256 is replaced by histidine, an amino acid with similar properties. This amino acid position is conserved. In addition, the in silico prediction for this alteration is inconclusive. Based on the available evidence, the clinical significance of this variant remains unclear.